The following is an entry in ClinVar:

ClinVar aggregate classification (germline): Benign. Review status: criteria provided, multiple submitters, no conflicts (2 of 4 stars). 7 submissions from 7 submitters: Benign (7). Last evaluated 2026-02-02.

Conditions:
Neuropathy, hereditary sensory and autonomic, type 2A (HSAN2A). Also called: ACROOSTEOLYSIS, GIACCAI TYPE; ACROOSTEOLYSIS, NEUROGENIC; MORVAN DISEASE; NEUROPATHY, CONGENITAL SENSORY; NEUROPATHY, HEREDITARY SENSORY RADICULAR, AUTOSOMAL RECESSIVE; NEUROPATHY, HEREDITARY SENSORY, TYPE IIA. Identifiers: Orphanet 970, MedGen C2752089, MONDO:0024309, OMIM 201300.
Pseudohypoaldosteronism type 2C (PHA2C). Also called: Pseudohypoaldosteronism Type IIC. Identifiers: Orphanet 757, Orphanet 88940, MedGen C1840391, MONDO:0013778, OMIM 614492.

Allele frequency attached by ClinVar (database versions not stated): gnomAD exomes 0.00160 and 0.00409; ExAC 0.00473; 1000 Genomes Project 0.01378; gnomAD 0.01527 and 0.01664; 1000 Genomes Project 30x 0.01562; ESP Exome Variant Server 0.01707; TOPMed 0.01752.
gnomAD v4.1: 4,791 of 1,614,092 alleles (0.3%); highest among the groups gnomAD compares: African/African-American, 5.2%; 103 homozygotes.

Submissions (7):

Labcorp Genetics (formerly Invitae), Labcorp
Classification: Benign for Neuropathy, hereditary sensory and autonomic, type 2A; Pseudohypoaldosteronism type 2C. Last evaluated: 2026-02-02. Review status: criteria provided, single submitter. Criteria: Invitae Variant Classification Sherloc (09022015). Collection method: clinical testing. Allele origin: germline.

Mayo Clinic Laboratories, Mayo Clinic
Classification: Benign. Last evaluated: 2023-04-03. Review status: criteria provided, single submitter. Criteria: ACMG Guidelines, 2015. Collection method: clinical testing. Allele origin: germline. Observed: 24 variant alleles.

ARUP Laboratories, Molecular Genetics and Genomics, ARUP Laboratories
Classification: Benign. Last evaluated: 2020-08-10. Review status: criteria provided, single submitter. Criteria: ARUP Molecular Germline Variant Investigation Process. Collection method: clinical testing. Allele origin: germline.

Athena Diagnostics
Classification: Benign. Last evaluated: 2020-03-24. Review status: criteria provided, single submitter. Criteria: Athena Diagnostics Criteria. Collection method: clinical testing. Allele origin: unknown.

GeneDx
Classification: Benign. Last evaluated: 2018-07-15. Review status: criteria provided, single submitter. Criteria: GeneDx Variant Classification Process June 2021. Collection method: clinical testing. Allele origin: germline. Affected: yes.

Illumina Laboratory Services, Illumina
Classification: Benign for Pseudohypoaldosteronism type 2C. Last evaluated: 2018-01-12. Review status: criteria provided, single submitter. Criteria: ICSL Variant Classification Criteria 13 December 2019. Collection method: clinical testing. Allele origin: germline.
Comment: This variant was observed in the ICSL laboratory as part of a predisposition screen in an ostensibly healthy population. It had not been previously curated by ICSL or reported in the Human Gene Mutation Database (HGMD: prior to June 1st, 2018), and was therefore a candidate for classification through an automated scoring system. Utilizing variant allele frequency, disease prevalence and penetrance estimates, and inheritance mode, an automated score was calculated to assess if this variant is too frequent to cause the disease. Based on the score and internal cut-off values, a variant classified as benign is not then subjected to further curation. The score for this variant resulted in a classification of benign for this disease.

Breakthrough Genomics
Classification: Benign. Review status: criteria provided, single submitter. Criteria: ACMG Guidelines, 2015. Collection method: not provided. Allele origin: germline. Inheritance: Autosomal recessive inheritance. Affected: yes.

NM_018979.4(WNK1):c.2081T>C (p.Ile694Thr)

Gene: WNK1 (WNK lysine deficient protein kinase 1; plus strand). Cytogenetic location: 12p13.33.
Variant type: single nucleotide variant.
Coding change: c.2081T>C on transcript NM_018979.4 (MANE Select); coding-DNA position 2081, T replaced by C.
Protein change: p.Ile694Thr; replaces isoleucine 694 with threonine.
Molecular consequence: missense variant.
Genome position (GRCh38, 1-based): chr12:862,212, T>C. VCF-style: chr12-862212-T-C. GRCh37 (hg19) VCF-style: chr12-971378-T-C.
Other names: p.Ile694Thr; c.2081T>C, p.Ile694Thr (NM_001184985.2, NM_014823.3, NM_213655.5); short protein forms I694T.
Identifiers: ClinVar variation 310744 (VCV000310744.27), dbSNP rs61736905, ClinGen allele CA6382100.
Genomic context (GRCh38, chr12:862,212, plus strand): 5'-CAGTTTCATATGGTTCCCAACATGAACAGGCACATTCTACAGGCACAGTCCCAGGGCATA[T>C]ACCTTCTACTGTCCAAGCACAGTCTCAGCCCCATGGGGTATATCCACCCTCAAGTGTGGT-3'
Protein context (NP_061852.3, residues 684-704): AHSTGTVPGH[Ile694Thr]PSTVQAQSQP